The following is an entry in ClinVar:

NM_017617.5(NOTCH1):c.781T>C (p.Cys261Arg)

Gene: NOTCH1 (notch receptor 1; minus strand). Cytogenetic location: 9q34.3.
Variant type: single nucleotide variant.
Coding change: c.781T>C on transcript NM_017617.5 (MANE Select); coding-DNA position 781, T replaced by C.
Protein change: p.Cys261Arg; replaces cysteine 261 with arginine.
Molecular consequence: missense variant.
Genome position (GRCh38, 1-based): chr9:136,519,527, A>G on the plus strand (T>C on the coding strand, the complement: NOTCH1 is on the minus strand). VCF-style: chr9-136519527-A-G. GRCh37 (hg19) VCF-style: chr9-139413979-A-G.
Other names: short protein forms C261R.
Identifiers: ClinVar variation 1387392 (VCV001387392.6), dbSNP rs2133372814, ClinGen allele CA375566635.

ClinVar aggregate classification (germline): Uncertain significance (1 of 4 stars; one submission).

Conditions:
Adams-Oliver syndrome 5 (AOS5). Identifiers: Orphanet 974, MedGen C4014970, MONDO:0014459, OMIM 616028.

Allele frequency attached by ClinVar (database versions not stated): gnomAD exomes below 0.00001.
gnomAD v4.1: 2 of 1,612,992 alleles (0.00012%); highest among the groups gnomAD compares: Non-Finnish European, 0.00017%; no homozygotes.

Submission:

Labcorp Genetics (formerly Invitae), Labcorp
Classification: Uncertain significance for Adams-Oliver syndrome 5. Last evaluated: 2021-10-19. Review status: criteria provided, single submitter. Criteria: Invitae Variant Classification Sherloc (09022015). Collection method: clinical testing. Allele origin: germline.
Comment: In summary, the available evidence is currently insufficient to determine the role of this variant in disease. Therefore, it has been classified as a Variant of Uncertain Significance. Advanced modeling of protein sequence and biophysical properties (such as structural, functional, and spatial information, amino acid conservation, physicochemical variation, residue mobility, and thermodynamic stability) performed at Invitae indicates that this missense variant is expected to disrupt NOTCH1 protein function. This variant has not been reported in the literature in individuals affected with NOTCH1-related conditions. This variant is not present in population databases (ExAC no frequency). This sequence change replaces cysteine with arginine at codon 261 of the NOTCH1 protein (p.Cys261Arg). The cysteine residue is highly conserved and there is a large physicochemical difference between cysteine and arginine.